The following is an entry in ClinVar:

ClinVar aggregate classification (germline): Pathogenic (1 of 4 stars; one submission).

Submission:

Labcorp Genetics (formerly Invitae), Labcorp
Classification: Pathogenic. Last evaluated: 2024-01-08. Review status: criteria provided, single submitter. Criteria: Invitae Variant Classification Sherloc (09022015). Collection method: clinical testing. Allele origin: unknown.
Comment: This variant is a gross deletion of the genomic region encompassing exon(s) 1-10 of the ADGRV1 gene, which includes the initiator codon. This deletion extends beyond the assayed region for this gene and therefore may encompass additional genes. It is expected to result in an absent or disrupted protein product. Loss-of-function variants in ADGRV1 are known to be pathogenic (PMID: 19357117, 22135276, 22147658, 26226137, 30718709, 31047384, 32467589). This variant has not been reported in the literature in individuals affected with ADGRV1-related conditions. For these reasons, this variant has been classified as Pathogenic.

Literature cited by the submitters: PubMed 19357117; PubMed 22135276; PubMed 22147658; PubMed 26226137; PubMed 30718709; PubMed 31047384; PubMed 32467589.

NC_000005.9:g.(?_89854713)_(89931127_?)del

Gene: ADGRV1 (adhesion G protein-coupled receptor V1; plus strand). Cytogenetic location: 5q14.3.
Variant type: Deletion.
Identifiers: ClinVar variation 3246538 (VCV003246538.1).